The following is an entry in ClinVar:

ClinVar aggregate classification (germline): Pathogenic/Likely pathogenic. Review status: criteria provided, multiple submitters, no conflicts (2 of 4 stars). 3 submissions from 3 submitters: Pathogenic (1); Likely pathogenic (2). Last evaluated 2024-05-16.

Conditions:
Spongy degeneration of central nervous system. Also called: Canavan disease; Von Bogaert-Bertrand disease; ACY2 DEFICIENCY; AMINOACYLASE 2 DEFICIENCY; ASP DEFICIENCY; ASPA DEFICIENCY. Identifiers: Orphanet 141, MedGen C0206307, MONDO:0010079, OMIM 271900.

Allele frequency attached by ClinVar (database versions not stated): gnomAD exomes below 0.00001.
gnomAD v4.1: 1 of 1,613,174 alleles (0.000062%); highest among the groups gnomAD compares: Admixed American, 0.0017%; no homozygotes.

Submissions (3):

Natera, Inc.
Classification: Likely pathogenic for Canavan Disease. Last evaluated: 2024-05-16. Review status: criteria provided, single submitter. Criteria: Natera Variant Classification Schema (03/2026). Collection method: clinical testing. Allele origin: germline.
Comment: The c.580C>T variant in ASPA is a nonsense variant predicted to introduce a stop codon at amino acid 194. This variant is expected to result in nonsense mediated decay, truncation, or a dysfunctional protein product. This variant is rare in the general population with a frequency below the threshold expected for the associated phenotype(s). Given the available evidence, this variant is classified as Likely Pathogenic.

Labcorp Genetics (formerly Invitae), Labcorp
Classification: Pathogenic for Spongy degeneration of central nervous system. Last evaluated: 2021-04-13. Review status: criteria provided, single submitter. Criteria: Invitae Variant Classification Sherloc (09022015). Collection method: clinical testing. Allele origin: germline.
Comment: For these reasons, this variant has been classified as Pathogenic. This variant has not been reported in the literature in individuals with ASPA-related conditions. ClinVar contains an entry for this variant (Variation ID: 984306). This variant is not present in population databases (ExAC no frequency). This sequence change creates a premature translational stop signal (p.Gln194*) in the ASPA gene. It is expected to result in an absent or disrupted protein product. Loss-of-function variants in ASPA are known to be pathogenic (PMID: 12638939).

Myriad Genetics, Inc.
Classification: Likely pathogenic for Spongy degeneration of central nervous system. Last evaluated: 2019-02-25. Review status: criteria provided, single submitter. Criteria: Myriad Women's Health Autosomal Recessive and X-Linked Classification Criteria (2019). Collection method: clinical testing. Allele origin: unknown.
Comment: NM_000049.2(ASPA):c.580C>T(Q194*) is expected to be pathogenic in the context of Canavan disease. This variant is predicted to lead to an abnormal or absent protein product due to the creation of a premature termination codon in ASPA, a gene where loss-of-function variants are known to be pathogenic. Please note: this variant was assessed in the context of healthy population screening.

Literature cited by the submitters: PubMed 12638939 (cited by Labcorp Genetics (formerly Invitae), Labcorp).

NM_000049.4(ASPA):c.580C>T (p.Gln194Ter)

Genes: ASPA (aspartoacylase; plus strand), SPATA22 (spermatogenesis associated 22; minus strand). Cytogenetic location: 17p13.2.
Variant type: single nucleotide variant.
Coding change: c.580C>T on transcript NM_000049.4 (MANE Select); coding-DNA position 580, C replaced by T.
Protein change: p.Gln194Ter; replaces glutamine 194 with a stop codon.
Molecular consequence: nonsense. On other transcripts: intron variant (2).
Genome position (GRCh38, 1-based): chr17:3,489,288, C>T. VCF-style: chr17-3489288-C-T. GRCh37 (hg19) VCF-style: chr17-3392582-C-T.
Other names: c.580C>T, p.Gln194Ter (NM_001128085.1); c.-73-19890G>A (NM_001321336.2, NM_001321337.2); short protein forms Q194*.
Identifiers: ClinVar variation 984306 (VCV000984306.10), dbSNP rs1482032907, ClinGen allele CA397684545.